The following is an entry in ClinVar:

ClinVar aggregate classification (germline): Uncertain significance. Review status: criteria provided, single submitter (1 of 4 stars). 2 submissions from 2 submitters: Uncertain significance (1). 1 of the submissions does not count toward it. Last evaluated 2024-05-18.

Conditions:
CEP290-related disorder. Also called: CEP290-related disorders; CEP290-related condition. Identifiers: MedGen CN239314.
Leber congenital amaurosis 10 (LCA10). Identifiers: Orphanet 65, MedGen C1857821, MONDO:0012723, OMIM 611755.
Joubert syndrome 5 (JBTS5). Identifiers: Orphanet 2318, MedGen C1857780, MONDO:0012432, OMIM 610188.
Bardet-Biedl syndrome 14 (BBS14). Identifiers: Orphanet 110, MedGen C2673874, MONDO:0014442, OMIM 615991.
Meckel syndrome, type 4 (MKS4). Also called: MECKEL-GRUBER SYNDROME, TYPE 4. Identifiers: Orphanet 564, MedGen C1970161, MONDO:0012626, OMIM 611134.
Senior-Loken syndrome 6 (SLSN6). Identifiers: Orphanet 3156, MedGen C1857779, MONDO:0012433, OMIM 610189.

Submissions (2):

Fulgent Genetics
Classification: Uncertain significance for Joubert syndrome 5; Senior-Loken syndrome 6; Meckel syndrome, type 4; Leber congenital amaurosis 10; Bardet-Biedl syndrome 14. Last evaluated: 2024-05-18. Review status: criteria provided, single submitter. Criteria: ACMG Guidelines, 2015. Collection method: clinical testing. Allele origin: germline.

PreventionGenetics, part of Exact Sciences
Classification: Uncertain significance for CEP290-related condition. Last evaluated: 2024-08-07. Review status: no assertion criteria provided. Collection method: clinical testing. Allele origin: germline. Not counted in ClinVar's aggregate classification.
Comment: The CEP290 c.2920G>A variant is predicted to result in the amino acid substitution p.Ala974Thr. To our knowledge, this variant has not been reported in the literature or in a large population database, indicating this variant is rare. At this time, the clinical significance of this variant is uncertain due to the absence of conclusive functional and genetic evidence.

NM_025114.4(CEP290):c.2920G>A (p.Ala974Thr)

Gene: CEP290 (centrosomal protein 290; minus strand). Cytogenetic location: 12q21.32.
Variant type: single nucleotide variant.
Coding change: c.2920G>A on transcript NM_025114.4 (MANE Select); coding-DNA position 2920, G replaced by A.
Protein change: p.Ala974Thr; replaces alanine 974 with threonine.
Molecular consequence: missense variant.
Genome position (GRCh38, 1-based): chr12:88,102,909, C>T on the plus strand (G>A on the coding strand, the complement: CEP290 is on the minus strand). VCF-style: chr12-88102909-C-T. GRCh37 (hg19) VCF-style: chr12-88496686-C-T.
Other names: short protein forms A974T.
Identifiers: ClinVar variation 3348089 (VCV003348089.2).
Genomic context (GRCh38, chr12:88,102,909, plus strand): 5'-CCAAGTTACTTGTTCTTTGAACAAGCATATTATCTTTTTGCAAGATGTCCCTGTACTTAG[C>T]AGTCAGTTCATTGTACTGTTTATTAGCCAGTTCTAGTTCAGACAAAGAAACACTATTATC-3'
Protein context (NP_079390.3, residues 964-984): LANKQYNELT[Ala974Thr]KYRDILQKDN